The following is an entry in ClinVar:

ClinVar aggregate classification (germline): Pathogenic (1 of 4 stars; one submission).

Submission:

Quest Diagnostics Nichols Institute San Juan Capistrano
Classification: Pathogenic. Last evaluated: 2021-11-11. Review status: criteria provided, single submitter. Criteria: ACMG/ClinGen CNV Guidelines, 2019. Collection method: clinical testing. Allele origin: unknown.
Comment: This deletion contains multiple genes including STK11. Deletions (whole gene and exonic) and loss-of-function mutations in STK11 are associated with Peutz-Jeghers syndrome (PJS; OMIM 175200). PJS is an inherited gastrointestinal disorder characterized by development of characteristic hamartomatous polyps throughout the gastrointestinal (GI) tract, and by mucocutaneous pigmentation. PJS carries a considerably increased risk of GI and extra-GI malignancies.

GRCh37/hg19 19p13.3(chr19:1205244-1479188)x1

Genes: APC2 (APC regulator of WNT signaling pathway 2; plus strand), ATP5F1D (ATP synthase F1 subunit delta; plus strand), C19orf25 (chromosome 19 open reading frame 25; minus strand), CBARP (CACN subunit beta associated regulatory protein; minus strand), CIRBP (cold inducible RNA binding protein; plus strand) and 9 more. Cytogenetic location: 19p13.3.
Variant type: copy number loss.
Change: copy number 1 (one copy instead of two) of chr19:1,205,244-1,479,188 (273.9 kb, GRCh37 coordinates, 1-based), cytogenetic band 19p13.3.
Identifiers: ClinVar variation 1807799 (VCV001807799.1).